The following is an entry in ClinVar:

NM_020461.4(TUBGCP6):c.1147G>A (p.Val383Ile)

Gene: TUBGCP6 (tubulin gamma complex component 6; minus strand). Cytogenetic location: 22q13.33.
Variant type: single nucleotide variant.
Coding change: c.1147G>A on transcript NM_020461.4 (MANE Select); coding-DNA position 1147, G replaced by A.
Protein change: p.Val383Ile; replaces valine 383 with isoleucine.
Molecular consequence: missense variant.
Genome position (GRCh38, 1-based): chr22:50,229,547, C>T on the plus strand (G>A on the coding strand, the complement: TUBGCP6 is on the minus strand). VCF-style: chr22-50229547-C-T. GRCh37 (hg19) VCF-style: chr22-50667976-C-T.
Other names: c.1147G>A (NM_020461.3); short protein forms V383I.
Identifiers: ClinVar variation 1417411 (VCV001417411.6), dbSNP rs376966886, ClinGen allele CA10308804.
Genomic context (GRCh38, chr22:50,229,547, plus strand): 5'-ACTCGGCCACTTCCGAGAGCAGGCTGCTGATGCTCTCGGGAGACGCTCCTGACACGTGGA[C>T]GCCCCGCTTCACCACAAAGGCCTGGGCCGGCTGCACAGGGGCAGAGGACACTGGTCACAG-3'
Protein context (NP_065194.3, residues 373-393): PAQAFVVKRG[Val383Ile]HVSGASPESI

ClinVar aggregate classification (germline): Uncertain significance. Review status: criteria provided, multiple submitters, no conflicts (2 of 4 stars). 2 submissions from 2 submitters: Uncertain significance (2). Last evaluated 2025-05-06.

Conditions:
Inborn genetic diseases. Identifiers: MedGen C0950123, MeSH D030342.

Allele frequency attached by ClinVar (database versions not stated): TOPMed 0.00001; ESP Exome Variant Server 0.00008; ExAC 0.00005; gnomAD 0.00002; gnomAD exomes 0.00003.

Submissions (2):

Ambry Genetics
Classification: Uncertain significance for Inborn genetic diseases. Last evaluated: 2025-05-06. Review status: criteria provided, single submitter. Criteria: Ambry Variant Classification Scheme 2023. Collection method: clinical testing. Allele origin: germline.

Labcorp Genetics (formerly Invitae), Labcorp
Classification: Uncertain significance. Last evaluated: 2022-04-25. Review status: criteria provided, single submitter. Criteria: Invitae Variant Classification Sherloc (09022015). Collection method: clinical testing. Allele origin: germline.
Comment: This sequence change replaces valine, which is neutral and non-polar, with isoleucine, which is neutral and non-polar, at codon 383 of the TUBGCP6 protein (p.Val383Ile). The frequency data for this variant in the population databases is considered unreliable, as metrics indicate poor data quality at this position in the gnomAD database. This variant has not been reported in the literature in individuals affected with TUBGCP6-related conditions. Algorithms developed to predict the effect of missense changes on protein structure and function output the following: SIFT: "Tolerated"; PolyPhen-2: "Benign"; Align-GVGD: "Class C0". The isoleucine amino acid residue is found in multiple mammalian species, which suggests that this missense change does not adversely affect protein function. In summary, the available evidence is currently insufficient to determine the role of this variant in disease. Therefore, it has been classified as a Variant of Uncertain Significance.